The following is an entry in ClinVar:

NM_000017.4(ACADS):c.125_126del (p.Leu42fs)

Gene: ACADS (acyl-CoA dehydrogenase short chain; plus strand). Cytogenetic location: 12q24.31.
Variant type: Deletion.
Coding change: c.125_126del on transcript NM_000017.4 (MANE Select); coding-DNA positions 125 to 126, 2 bases deleted (TC; older notation c.125_126delTC).
Protein change: p.Leu42fs; shifts the reading frame from leucine 42.
Molecular consequence: frameshift variant.
Genome position (GRCh38, 1-based): chr12:120,727,104-120,727,105, TC deleted; deleting any 2 consecutive bases within chr12:120,727,103-120,727,105 gives the same sequence; the c. name uses the placement nearest the transcript's 3' end. VCF-style (leftmost placement, unchanged base first): chr12-120727102-GCT-G. GRCh37 (hg19) VCF-style: chr12-121164905-GCT-G.
Other names: c.125_126del, p.Leu42fs (NM_001302554.2); short protein forms L42fs.
Identifiers: ClinVar variation 1726215 (VCV001726215.2), dbSNP rs2501155651, ClinGen allele CA2580085887.

ClinVar aggregate classification (germline): Likely pathogenic (1 of 4 stars; one submission).

Conditions:
Deficiency of butyryl-CoA dehydrogenase (ACADSD). Also called: SCADH DEFICIENCY; SCAD DEFICIENCY, MILD; ACYL-CoA DEHYDROGENASE, SHORT-CHAIN, DEFICIENCY OF; Short-Chain Acyl-CoA Dehydrogenase Deficiency; SCAD Deficiency; ACADS DEFICIENCY. Identifiers: Orphanet 26792, MedGen C0342783, MONDO:0008722, OMIM 201470. Disease mechanism: May be benign.

Submission:

Myriad Genetics, Inc.
Classification: Likely pathogenic for Deficiency of butyryl-CoA dehydrogenase. Last evaluated: 2022-05-26. Review status: criteria provided, single submitter. Criteria: Myriad Women's Health Autosomal Recessive and X-Linked Classification Criteria (2021). Collection method: clinical testing. Allele origin: unknown.
Comment: NM_000017.2(ACADS):c.125_126delTC(L42Pfs*20) is expected to be pathogenic in the context of short-chain acyl-CoA dehydrogenase deficiency. This variant is predicted to lead to an abnormal or absent protein product due to the creation of a premature termination codon in ACADS, a gene where loss-of-function variants are known to be pathogenic. Please note: this variant was assessed in the context of healthy population screening.